The following is an entry in ClinVar:

NM_001093.4(ACACB):c.2259C>T (p.Thr753=)

Gene: ACACB (acetyl-CoA carboxylase beta; plus strand). Cytogenetic location: 12q24.11.
Variant type: single nucleotide variant.
Coding change: c.2259C>T on transcript NM_001093.4 (MANE Select); coding-DNA position 2259, C replaced by T.
Protein change: p.Thr753=; no amino-acid change (threonine 753 retained).
Molecular consequence: synonymous variant.
Genome position (GRCh38, 1-based): chr12:109,191,727, C>T. VCF-style: chr12-109191727-C-T. GRCh37 (hg19) VCF-style: chr12-109629532-C-T.
Other names: c.2259C>T, p.Thr753= (NM_001412734.1, NM_001412735.1); c.1653C>T, p.Thr551= (NM_001412736.1, NM_001412738.1, NM_001412739.1 and 2 more transcripts); c.1632C>T, p.Thr544= (NM_001412737.1).
Identifiers: ClinVar variation 3040788 (VCV003040788.2), dbSNP rs367552256, ClinGen allele CA6773548.

ClinVar aggregate classification (germline): Likely benign (0 of 4 stars; one submission).

Conditions:
ACACB-related disorder. Also called: ACACB-related condition.

Allele frequency attached by ClinVar (database versions not stated): gnomAD 0.00005; gnomAD exomes 0.00005; TOPMed 0.00006; ExAC 0.00012.
gnomAD v4.1: 79 of 1,614,042 alleles (0.0049%); highest among the groups gnomAD compares: Admixed American, 0.11%; no homozygotes.

Submission:

PreventionGenetics, part of Exact Sciences
Classification: Likely benign for ACACB-related condition. Last evaluated: 2023-02-13. Review status: no assertion criteria provided. Collection method: clinical testing. Allele origin: germline.
Comment: This variant is classified as likely benign based on ACMG/AMP sequence variant interpretation guidelines (Richards et al. 2015 PMID: 25741868, with internal and published modifications).